The following is an entry in ClinVar:

ClinVar aggregate classification (germline): Likely pathogenic (1 of 4 stars; one submission).

Conditions:
Duchenne muscular dystrophy (DMD). Also called: MUSCULAR DYSTROPHY, PSEUDOHYPERTROPHIC PROGRESSIVE, DUCHENNE TYPE; Duchenne Muscular Dystrophy (DMD). Identifiers: Orphanet 98896, MedGen C0013264, MONDO:0010679, OMIM 310200.

Submission:

Labcorp Genetics (formerly Invitae), Labcorp
Classification: Likely pathogenic for Duchenne muscular dystrophy. Last evaluated: 2023-08-30. Review status: criteria provided, single submitter. Criteria: Invitae Variant Classification Sherloc (09022015). Collection method: clinical testing. Allele origin: unknown.
Comment: In summary, the currently available evidence indicates that the variant is pathogenic, but additional data are needed to prove that conclusively. Therefore, this variant has been classified as Likely Pathogenic. A similar copy number variant has been observed in individual(s) with clinical features of DMD-related conditions (Invitae). This variant results in a copy number gain of the genomic region encompassing exon(s) 20-34 of the DMD gene. While the exact position of this variant cannot be determined from the data, sub-genic copy number gains are generally in tandem (PMID: 25640679). This variant is predicted to be out-of-frame, and may result in an absent or disrupted protein product. Loss-of-function variants in DMD are known to be pathogenic (PMID: 16770791, 25007885).

Literature cited by the submitters: PubMed 25640679; PubMed 16770791; PubMed 25007885.

NC_000023.10:g.(?_32398607)_(32509655_?)dup

Gene: DMD (dystrophin; minus strand). Cytogenetic location: Xp21.1.
Variant type: Duplication.
Identifiers: ClinVar variation 3242931 (VCV003242931.1).